The following is an entry in ClinVar:

ClinVar aggregate classification (germline): Uncertain significance (1 of 4 stars; one submission).

Conditions:
Cardiovascular phenotype. Identifiers: MedGen CN230736.

Allele frequency attached by ClinVar (database versions not stated): gnomAD exomes below 0.00001; TOPMed 0.00001.
gnomAD v4.1: 4 of 1,613,976 alleles (0.00025%); highest among the groups gnomAD compares: South Asian, 0.0011%; no homozygotes.

Submission:

Ambry Genetics
Classification: Uncertain significance for Cardiovascular phenotype. Last evaluated: 2021-09-21. Review status: criteria provided, single submitter. Criteria: Ambry Variant Classification Scheme 2023. Collection method: clinical testing. Allele origin: germline.
Comment: The p.M686V variant (also known as c.2056A>G), located in coding exon 12 of the JUP gene, results from an A to G substitution at nucleotide position 2056. The methionine at codon 686 is replaced by valine, an amino acid with highly similar properties. This amino acid position is conserved. In addition, this alteration is predicted to be tolerated by in silico analysis. Since supporting evidence is limited at this time, the clinical significance of this alteration remains unclear.

NM_002230.4(JUP):c.2056A>G (p.Met686Val)

Gene: JUP (junction plakoglobin; minus strand). Cytogenetic location: 17q21.2.
Variant type: single nucleotide variant.
Coding change: c.2056A>G on transcript NM_002230.4 (MANE Select); coding-DNA position 2056, A replaced by G.
Protein change: p.Met686Val; replaces methionine 686 with valine.
Molecular consequence: missense variant.
Genome position (GRCh38, 1-based): chr17:41,756,205, T>C on the plus strand (A>G on the coding strand, the complement: JUP is on the minus strand). VCF-style: chr17-41756205-T-C. GRCh37 (hg19) VCF-style: chr17-39912457-T-C.
Other names: c.2056A>G, p.Met686Val (NM_001352773.2, NM_001352774.2, NM_001352775.2 and 3 more transcripts); short protein forms M686V.
Identifiers: ClinVar variation 1785132 (VCV001785132.2), dbSNP rs1271629670, ClinGen allele CA399490980.